The following is an entry in ClinVar:

ClinVar aggregate classification (germline): Uncertain significance. Review status: criteria provided, multiple submitters, no conflicts (2 of 4 stars). 2 submissions from 2 submitters: Uncertain significance (2). Last evaluated 2024-02-17.

Conditions:
Supravalvar aortic stenosis (SVAS). Also called: Supravalvar aortic stenosis, Eisenberg type. Identifiers: Orphanet 3193, MedGen C0003499, MONDO:0008504, OMIM 185500, HP:0004381.

Allele frequency attached by ClinVar (database versions not stated): gnomAD below 0.00001 and 0.00001.
gnomAD v4.1: 1 of 1,613,946 alleles (0.000062%); highest among the groups gnomAD compares: South Asian, 0.0011%; no homozygotes.

Submissions (2):

Labcorp Genetics (formerly Invitae), Labcorp
Classification: Uncertain significance for Supravalvar aortic stenosis. Last evaluated: 2024-02-17. Review status: criteria provided, single submitter. Criteria: Invitae Variant Classification Sherloc (09022015). Collection method: clinical testing. Allele origin: germline.
Comment: This sequence change falls in intron 9 of the ELN gene. It does not directly change the encoded amino acid sequence of the ELN protein. It affects a nucleotide within the consensus splice site. This variant is not present in population databases (gnomAD no frequency). This variant has been observed in individual(s) with supravalvar aortic stenosis (Invitae). ClinVar contains an entry for this variant (Variation ID: 163384). Variants that disrupt the consensus splice site are a relatively common cause of aberrant splicing (PMID: 17576681, 9536098). Algorithms developed to predict the effect of sequence changes on RNA splicing suggest that this variant may disrupt the consensus splice site. In summary, the available evidence is currently insufficient to determine the role of this variant in disease. Therefore, it has been classified as a Variant of Uncertain Significance.

Laboratory for Molecular Medicine, Mass General Brigham Personalized Medicine
Classification: Uncertain significance. Last evaluated: 2011-03-08. Review status: criteria provided, single submitter. Criteria: LMM Criteria. Collection method: clinical testing. Allele origin: germline. Observed: 1 variant allele.
Comment: Variant classified as Uncertain Significance - Favor Pathogenic. The 469+5G>C va riant in ELN has not been reported in the literature nor previously been identif ied by our laboratory. This variant is located in the 5' splice region, but does not affect the invariant +1 and +2 positions. However, positions +3 to +6 are p art of the splicing consensus sequence and variants involving these positions so metimes affect splicing. Four computational tools (SpliceSiteFinder-like, MaxEnt Scan, NNSPLICE, GeneSplicer) predict that this variant affects splicing but thes e tools have not been sufficiently validated to assume pathogenicity. However, s plice-site alterations in the ELN gene are a reported cause of SVAS (Human Genom e Mutation Database, HGMD), which increases the likelihood that the 469+5G>C var iant is pathogenic. In summary, the available data are so far consistent with a pathogenic role but additional studies (family and control studies) are needed t o determine the clinical significance of this variant with certainty.

Literature cited by the submitters: PubMed 17576681 (cited by Labcorp Genetics (formerly Invitae), Labcorp); PubMed 9536098 (cited by Labcorp Genetics (formerly Invitae), Labcorp).

NM_000501.4(ELN):c.469+5G>C

Gene: ELN (elastin; plus strand). Cytogenetic location: 7q11.23.
Variant type: single nucleotide variant.
Coding change: c.469+5G>C on transcript NM_000501.4 (MANE Select); 5 bases into the intron after coding-DNA position 469, G replaced by C.
Molecular consequence: intron variant.
Genome position (GRCh38, 1-based): chr7:74,043,925, G>C. VCF-style: chr7-74043925-G-C. GRCh37 (hg19) VCF-style: chr7-73458255-G-C.
Other names: c.484+5G>C (NM_001081754.3, NM_001081753.3); c.469+5G>C (NM_001278939.2, NM_001278915.2, NM_001278912.2 and 2 more transcripts); c.433+5G>C (NM_001278913.2); c.454+5G>C (NM_001278914.2); c.439+5G>C (NM_001278917.2, NM_001081752.3, NM_001278918.2).
Identifiers: ClinVar variation 163384 (VCV000163384.7), dbSNP rs727503025, ClinGen allele CA176024.
Genomic context (GRCh38, chr7:74,043,925, plus strand): 5'-TCTTTTGGCCACAGGTGTGGGGCTGCCAGGTGTATACCCAGGTGGCGTGCTCCCAGGTGA[G>C]AGCAAGGAGGGAAACAGGGACTCTATAGGAAGAAAGCAGCCAGGACGCAGTGGCTCATGC-3'